The following is an entry in ClinVar:

NM_020921.4(NIN):c.1951C>A (p.Gln651Lys)

Genes: NIN (ninein; minus strand), LOC130055602 (ATAC-STARR-seq lymphoblastoid active region 8362; plus strand). Cytogenetic location: 14q22.1.
Variant type: single nucleotide variant.
Coding change: c.1951C>A on transcript NM_020921.4 (MANE Select); coding-DNA position 1951, C replaced by A.
Protein change: p.Gln651Lys; replaces glutamine 651 with lysine.
Molecular consequence: missense variant.
Genome position (GRCh38, 1-based): chr14:50,760,305, G>T on the plus strand (C>A on the coding strand, the complement: NIN is on the minus strand). VCF-style: chr14-50760305-G-T. GRCh37 (hg19) VCF-style: chr14-51227023-G-T.
Other names: c.1951C>A, p.Gln651Lys (NM_016350.5, NM_182944.3, NM_182946.2); short protein forms Q651K.
Identifiers: ClinVar variation 4725185 (VCV004725185.1).
Genomic context (GRCh38, chr14:50,760,305, plus strand): 5'-CACTTATTTGTTTTTCTAAGGTGTGCGTTTCGTTCTCATGCCTTTGCTTCATGTTCTCCT[G>T]TGCCTTCTTGCAGCTGACCACGGTTTCGTCCAGCTGCTTTTCATAATGGCGCACCTGAAG-3'
Protein context (NP_065972.4, residues 641-661): DETVVSCKKA[Gln651Lys]ENMKQRHENE

ClinVar aggregate classification (germline): Uncertain significance (1 of 4 stars; one submission).

gnomAD v4.1: 1 of 1,608,394 alleles (0.000062%); highest among the groups gnomAD compares: Non-Finnish European, 0.000085%; no homozygotes.

Submission:

Labcorp Genetics (formerly Invitae), Labcorp
Classification: Uncertain significance. Last evaluated: 2025-12-02. Review status: criteria provided, single submitter. Criteria: Invitae Variant Classification Sherloc (09022015). Collection method: clinical testing. Allele origin: germline.
Comment: This sequence change replaces glutamine, which is neutral and polar, with lysine, which is basic and polar, at codon 651 of the NIN protein (p.Gln651Lys). This variant is not present in population databases (gnomAD no frequency). This variant has not been reported in the literature in individuals affected with NIN-related conditions. An algorithm developed to predict the effect of missense changes on protein structure and function (PolyPhen-2) suggests that this variant is likely to be tolerated. In summary, the available evidence is currently insufficient to determine the role of this variant in disease. Therefore, it has been classified as a Variant of Uncertain Significance.